The following is an entry in ClinVar:

ClinVar aggregate classification (germline): Likely pathogenic (1 of 4 stars; one submission).

Submission:

GeneDx
Classification: Likely pathogenic. Last evaluated: 2018-10-16. Review status: criteria provided, single submitter. Criteria: GeneDx Variant Classification (06012015). Collection method: clinical testing. Allele origin: germline. Affected: yes.
Comment: A variant that is likely pathogenic has been identified in the CNTNAP2 gene. The c.2569_2572delTCCTinsCCC variant has not been published as a pathogenic variant, nor has it been reported as a benign variant to our knowledge. The c.2569_2572delTCCTinsCCC variant causes a frameshift starting with codon Serine 857, changes this amino acid to a Proline residue and creates a premature Stop codon at position 11 of the new reading frame, denoted p.Ser857ProfsX11. This variant is predicted to cause loss of normal protein function either through protein truncation or nonsense-mediated mRNA decay. The c.2569_2572delTCCTinsCCC variant is not observed in large population cohorts (Lek et al., 2016). Therefore, this variant is likely pathogenic; however, the possibility that it is benign cannot be excluded.

NM_014141.6(CNTNAP2):c.2569_2572delinsCCC (p.Ser857fs)

Gene: CNTNAP2 (contactin associated protein 2; plus strand). Cytogenetic location: 7q35.
Variant type: Indel.
Coding change: c.2569_2572delinsCCC on transcript NM_014141.6 (MANE Select); coding-DNA positions 2569 to 2572, TCCT replaced by CCC.
Protein change: p.Ser857fs; shifts the reading frame from serine 857.
Molecular consequence: frameshift variant.
Genome position (GRCh38, 1-based): chr7:148,147,505-148,147,508, TCCT replaced by CCC. VCF-style: chr7-148147505-TCCT-CCC. GRCh37 (hg19) VCF-style: chr7-147844597-TCCT-CCC.
Other names: short protein forms S857fs.
Identifiers: ClinVar variation 817879 (VCV000817879.1), dbSNP rs1585151371, ClinGen allele CA915945552.
Genomic context (GRCh38, chr7:148,147,505, plus strand): 5'-TCTGGGAGAAAAATACTCATGTTTTTCATGCTTTCTGCTCCTCCAGCTGCCACAGAAGTG[TCCT>CCC]TTTCATTTGATGTGGGAAATGGGCCAGTAGAGATTGTAGTGAGGTCACCAACCCCTCTCA-3'